The following is an entry in ClinVar:

ClinVar aggregate classification (germline): Uncertain significance. Review status: criteria provided, multiple submitters, no conflicts (2 of 4 stars). 4 submissions from 4 submitters: Uncertain significance (4). Last evaluated 2024-10-19.

Conditions:
Developmental and epileptic encephalopathy, 18 (DEE18). Also called: Early infantile epileptic encephalopathy 18. Identifiers: Orphanet 369894, MedGen C3809624, MONDO:0014201, OMIM 615476.
Inborn genetic diseases. Identifiers: MedGen C0950123, MeSH D030342.

Allele frequency attached by ClinVar (database versions not stated): gnomAD exomes 0.00001 and 0.00003; TOPMed 0.00003; gnomAD 0.00004.
gnomAD v4.1: 42 of 1,614,016 alleles (0.0026%); highest among the groups gnomAD compares: Admixed American, 0.0033%; no homozygotes.

Submissions (4):

Ambry Genetics
Classification: Uncertain significance for Inborn genetic diseases. Last evaluated: 2024-10-19. Review status: criteria provided, single submitter. Criteria: Ambry Variant Classification Scheme 2023. Collection method: clinical testing. Allele origin: germline.

Genome-Nilou Lab
Classification: Uncertain significance for Developmental and epileptic encephalopathy, 18. Last evaluated: 2023-04-11. Review status: criteria provided, single submitter. Criteria: ACMG Guidelines, 2015. Collection method: clinical testing. Allele origin: germline. Affected: no.

Labcorp Genetics (formerly Invitae), Labcorp
Classification: Uncertain significance. Last evaluated: 2022-10-13. Review status: criteria provided, single submitter. Criteria: Invitae Variant Classification Sherloc (09022015). Collection method: clinical testing. Allele origin: germline.
Comment: This sequence change replaces threonine, which is neutral and polar, with methionine, which is neutral and non-polar, at codon 2715 of the SZT2 protein (p.Thr2715Met). This variant is present in population databases (no rsID available, gnomAD 0.006%). This variant has not been reported in the literature in individuals affected with SZT2-related conditions. ClinVar contains an entry for this variant (Variation ID: 1033343). Advanced modeling of protein sequence and biophysical properties (such as structural, functional, and spatial information, amino acid conservation, physicochemical variation, residue mobility, and thermodynamic stability) performed at Invitae indicates that this missense variant is not expected to disrupt SZT2 protein function. In summary, the available evidence is currently insufficient to determine the role of this variant in disease. Therefore, it has been classified as a Variant of Uncertain Significance.

Baylor Genetics
Classification: Uncertain significance for Developmental and epileptic encephalopathy, 18. Last evaluated: 2018-01-26. Review status: criteria provided, single submitter. Criteria: ACMG Guidelines, 2015. Collection method: clinical testing. Allele origin: maternal. Affected: yes.
Comment: This variant was determined to be of uncertain significance according to ACMG Guidelines, 2015 [PMID:25741868].

NM_001365999.1(SZT2):c.8315C>T (p.Thr2772Met)

Gene: SZT2 (SZT2 subunit of KICSTOR complex; plus strand). Cytogenetic location: 1p34.2.
Variant type: single nucleotide variant.
Coding change: c.8315C>T on transcript NM_001365999.1 (MANE Select); coding-DNA position 8315, C replaced by T.
Protein change: p.Thr2772Met; replaces threonine 2772 with methionine.
Molecular consequence: missense variant.
Genome position (GRCh38, 1-based): chr1:43,442,982, C>T. VCF-style: chr1-43442982-C-T. GRCh37 (hg19) VCF-style: chr1-43908653-C-T.
Other names: c.8144C>T, p.Thr2715Met (NM_015284.4); short protein forms T2715M, T2772M.
Identifiers: ClinVar variation 1033343 (VCV001033343.8), dbSNP rs1174812322, ClinGen allele CA340038525.